The following is an entry in ClinVar:

ClinVar aggregate classification (germline): Likely benign. Review status: criteria provided, multiple submitters, no conflicts (2 of 4 stars). 3 submissions from 3 submitters: Likely benign (3). Last evaluated 2025-08-18.

Conditions:
Rubinstein-Taybi syndrome due to EP300 haploinsufficiency. Also called: EP300-Related Rubinstein-Taybi Syndrome; RUBINSTEIN-TAYBI SYNDROME 2. Identifiers: Orphanet 353284, Orphanet 783, MedGen C3150941, MONDO:0013364, OMIM 613684.
EP300-related disorder. Also called: EP300-related condition; EP300-related disorders.

Allele frequency attached by ClinVar (database versions not stated): gnomAD 0.00003 and 0.00005; gnomAD exomes 0.00004 and 0.00006; TOPMed 0.00005; ExAC 0.00006.
gnomAD v4.1: 57 of 1,614,094 alleles (0.0035%); highest among the groups gnomAD compares: East Asian, 0.053%; no homozygotes.

Submissions (3):

Labcorp Genetics (formerly Invitae), Labcorp
Classification: Likely benign for Rubinstein-Taybi syndrome due to EP300 haploinsufficiency. Last evaluated: 2025-08-18. Review status: criteria provided, single submitter. Criteria: Invitae Variant Classification Sherloc (09022015). Collection method: clinical testing. Allele origin: germline.

PreventionGenetics, part of Exact Sciences
Classification: Likely benign for EP300-related condition. Last evaluated: 2025-06-06. Review status: criteria provided, single submitter. Criteria: ACMG Guidelines, 2015. Collection method: clinical testing. Allele origin: germline.
Comment: This variant is classified as likely benign based on ACMG/AMP sequence variant interpretation guidelines (Richards et al. 2015 PMID: 25741868, with internal and published modifications).

GeneDx
Classification: Likely benign. Last evaluated: 2020-06-24. Review status: criteria provided, single submitter. Criteria: GeneDx Variant Classification Process June 2021. Collection method: clinical testing. Allele origin: germline. Affected: yes.

NM_001429.4(EP300):c.545A>G (p.Asn182Ser)

Gene: EP300 (EP300 lysine acetyltransferase; plus strand). Cytogenetic location: 22q13.2.
Variant type: single nucleotide variant.
Coding change: c.545A>G on transcript NM_001429.4 (MANE Select); coding-DNA position 545, A replaced by G.
Protein change: p.Asn182Ser; replaces asparagine 182 with serine.
Molecular consequence: missense variant.
Genome position (GRCh38, 1-based): chr22:41,117,637, A>G. VCF-style: chr22-41117637-A-G. GRCh37 (hg19) VCF-style: chr22-41513641-A-G.
Other names: c.545A>G, p.Asn182Ser (NM_001362843.2); short protein forms N182S.
Identifiers: ClinVar variation 1195015 (VCV001195015.6), dbSNP rs201487387, ClinGen allele CA10252277.
Genomic context (GRCh38, chr22:41,117,637, plus strand): 5'-CCATGGGAATGAACACAGGGATGAATGCGGGCATGAATCCTGGAATGTTGGCTGCAGGCA[A>G]TGGACAAGGGATAATGCCTAATCAAGTCATGAACGGTTCAATTGGAGCAGGCCGAGGGCG-3'
Protein context (NP_001420.2, residues 172-192): GMNPGMLAAG[Asn182Ser]GQGIMPNQVM